The following is an entry in ClinVar:

NM_004380.3(CREBBP):c.2349G>A (p.Met783Ile)

Gene: CREBBP (CREB binding lysine acetyltransferase; minus strand). Cytogenetic location: 16p13.3.
Variant type: single nucleotide variant.
Coding change: c.2349G>A on transcript NM_004380.3 (MANE Select); coding-DNA position 2349, G replaced by A.
Protein change: p.Met783Ile; replaces methionine 783 with isoleucine.
Molecular consequence: missense variant.
Genome position (GRCh38, 1-based): chr16:3,773,865, C>T on the plus strand (G>A on the coding strand, the complement: CREBBP is on the minus strand). VCF-style: chr16-3773865-C-T. GRCh37 (hg19) VCF-style: chr16-3823866-C-T.
Other names: c.2235G>A, p.Met745Ile (NM_001079846.1); short protein forms M745I, M783I.
Identifiers: ClinVar variation 4993732 (VCV004993732.1).
Genomic context (GRCh38, chr16:3,773,865, plus strand): 5'-GCTGGATGACGGGAACTGGTTCTGTGGCAGAAACTGGCTCTGAGCGGGCGCCTGGGCCAT[C>T]ATGTTGTTGGTGTGTGCACCCATCATGTTCGGAGGCTGAGGCATTCGGGAAGGAGAAATG-3'
Protein context (NP_004371.2, residues 773-793): PNMMGAHTNN[Met783Ile]MAQAPAQSQF

ClinVar aggregate classification (germline): Uncertain significance (1 of 4 stars; one submission).

Conditions:
CREBBP-related disorder. Also called: CREBBP-related condition; CREBBP-related disorders.

Submission:

PreventionGenetics, part of Exact Sciences
Classification: Uncertain significance for CREBBP-related condition. Last evaluated: 2025-08-24. Review status: criteria provided, single submitter. Criteria: ACMG Guidelines, 2015. Collection method: clinical testing. Allele origin: germline.
Comment: The CREBBP c.2349G>A variant is predicted to result in the amino acid substitution p.Met783Ile. To our knowledge, this variant has not been reported in the literature or in a large population database (gnomAD), indicating this variant is rare. At this time, the clinical significance of this variant is uncertain due to the absence of conclusive functional and genetic evidence.